The following is an entry in ClinVar:

ClinVar aggregate classification (germline): Likely pathogenic (1 of 4 stars; one submission).

Conditions:
Mitochondrial DNA depletion syndrome 9 (MTDPS9). Also called: SUCLG1-Related Mitochondrial DNA Depletion Syndrome, Encephalomyopathic Form with Methylmalonic Aciduria. Identifiers: Orphanet 17, MedGen C3151476, MONDO:0009504, OMIM 245400.

Submission:

Labcorp Genetics (formerly Invitae), Labcorp
Classification: Likely pathogenic for Mitochondrial DNA depletion syndrome 9. Last evaluated: 2022-04-24. Review status: criteria provided, single submitter. Criteria: Invitae Variant Classification Sherloc (09022015). Collection method: clinical testing. Allele origin: germline.
Comment: In summary, the currently available evidence indicates that the variant is pathogenic, but additional data are needed to prove that conclusively. Therefore, this variant has been classified as Likely Pathogenic. Algorithms developed to predict the effect of sequence changes on RNA splicing suggest that this variant may disrupt the consensus splice site. This variant has not been reported in the literature in individuals affected with SUCLG1-related conditions. This variant is not present in population databases (gnomAD no frequency). This sequence change affects an acceptor splice site in intron 7 of the SUCLG1 gene. It is expected to disrupt RNA splicing. Variants that disrupt the donor or acceptor splice site typically lead to a loss of protein function (PMID: 16199547), and loss-of-function variants in SUCLG1 are known to be pathogenic (PMID: 20693550).

Literature cited by the submitters: PubMed 16199547; PubMed 20693550.

NM_003849.4(SUCLG1):c.826-1G>A

Gene: SUCLG1 (succinate-CoA ligase GDP/ADP-forming subunit alpha; minus strand). Cytogenetic location: 2p11.2.
Variant type: single nucleotide variant.
Coding change: c.826-1G>A on transcript NM_003849.4 (MANE Select); the canonical splice acceptor site of the intron before coding-DNA position 826, G replaced by A.
Molecular consequence: splice acceptor variant.
Genome position (GRCh38, 1-based): chr2:84,425,604, C>T on the plus strand (G>A on the coding strand, the complement: SUCLG1 is on the minus strand). VCF-style: chr2-84425604-C-T. GRCh37 (hg19) VCF-style: chr2-84652728-C-T.
Identifiers: ClinVar variation 2130397 (VCV002130397.4), dbSNP rs2468610727, ClinGen allele CA347514866.